The following is an entry in ClinVar:

NM_181507.2(HPS5):c.2791G>C (p.Asp931His)

Gene: HPS5 (HPS5 biogenesis of lysosomal organelles complex 2 subunit 2; minus strand). Cytogenetic location: 11p15.1.
Variant type: single nucleotide variant.
Coding change: c.2791G>C on transcript NM_181507.2 (MANE Select); coding-DNA position 2791, G replaced by C.
Protein change: p.Asp931His; replaces aspartic acid 931 with histidine.
Molecular consequence: missense variant.
Genome position (GRCh38, 1-based): chr11:18,286,637, C>G on the plus strand (G>C on the coding strand, the complement: HPS5 is on the minus strand). VCF-style: chr11-18286637-C-G. GRCh37 (hg19) VCF-style: chr11-18308184-C-G.
Other names: c.2449G>C, p.Asp817His (NM_007216.4, NM_181508.2); short protein forms D817H, D931H.
Identifiers: ClinVar variation 2008011 (VCV002008011.1), dbSNP rs2494475065, ClinGen allele CA379516776.
Genomic context (GRCh38, chr11:18,286,637, plus strand): 5'-GACTTCTTCTGTACCTGGGATAACCTTCATCATCCATTGTGCTGGTGCTTGGTGGAGCAT[C>G]AAGGGACACTGCCAAAAGCAGCCAATCCAACCTTAAAGACTCTGGTTGCAGAAGGGACTC-3'
Protein context (NP_852608.1, residues 921-941): LDWLLLAVSL[Asp931His]APPSTSTMDD

ClinVar aggregate classification (germline): Uncertain significance (1 of 4 stars; one submission).

Submission:

Labcorp Genetics (formerly Invitae), Labcorp
Classification: Uncertain significance. Last evaluated: 2022-06-18. Review status: criteria provided, single submitter. Criteria: Invitae Variant Classification Sherloc (09022015). Collection method: clinical testing. Allele origin: germline.
Comment: This sequence change replaces aspartic acid, which is acidic and polar, with histidine, which is basic and polar, at codon 931 of the HPS5 protein (p.Asp931His). This variant is not present in population databases (gnomAD no frequency). This variant has not been reported in the literature in individuals affected with HPS5-related conditions. Algorithms developed to predict the effect of missense changes on protein structure and function are either unavailable or do not agree on the potential impact of this missense change (SIFT: "Deleterious"; PolyPhen-2: "Benign"; Align-GVGD: "Class C0"). In summary, the available evidence is currently insufficient to determine the role of this variant in disease. Therefore, it has been classified as a Variant of Uncertain Significance.